The following is an entry in ClinVar:

ClinVar aggregate classification (germline): Benign. Review status: criteria provided, multiple submitters, no conflicts (2 of 4 stars). 9 submissions from 9 submitters: Benign (6). 3 of the submissions do not count toward it. Last evaluated 2026-02-02.

Conditions:
Familial isolated deficiency of vitamin E (AVED). Also called: ATAXIA, FRIEDREICH-LIKE, WITH SELECTIVE VITAMIN E DEFICIENCY; Ataxia with isolated vitamin E deficiency. Identifiers: Orphanet 96, MedGen C1848533, MONDO:0010188, OMIM 277460.

Allele frequency attached by ClinVar (database versions not stated): ESP Exome Variant Server 0.00115; gnomAD exomes 0.00247 and 0.00830; gnomAD 0.00304 and 0.00317; 1000 Genomes Project 0.00359; 1000 Genomes Project 30x 0.00422; TOPMed 0.00584; ExAC 0.00620.
gnomAD v4.1: 4,066 of 1,613,848 alleles (0.25%); highest among the groups gnomAD compares: Admixed American, 4.3%; 83 homozygotes.

Submissions (9):

Labcorp Genetics (formerly Invitae), Labcorp
Classification: Benign. Last evaluated: 2026-02-02. Review status: criteria provided, single submitter. Criteria: Invitae Variant Classification Sherloc (09022015). Collection method: clinical testing. Allele origin: germline.

Mayo Clinic Laboratories, Mayo Clinic
Classification: Benign. Last evaluated: 2022-05-01. Review status: criteria provided, single submitter. Criteria: ACMG Guidelines, 2015. Collection method: clinical testing. Allele origin: germline. Observed: 6 variant alleles.

GeneDx
Classification: Benign. Last evaluated: 2021-05-05. Review status: criteria provided, single submitter. Criteria: GeneDx Variant Classification Process June 2021. Collection method: clinical testing. Allele origin: germline. Affected: yes.

Athena Diagnostics
Classification: Benign. Last evaluated: 2019-06-12. Review status: criteria provided, single submitter. Criteria: Athena Diagnostics Criteria. Collection method: clinical testing. Allele origin: germline.

Illumina Laboratory Services, Illumina
Classification: Benign for Familial isolated deficiency of vitamin E. Last evaluated: 2018-01-12. Review status: criteria provided, single submitter. Criteria: ICSL Variant Classification Criteria 13 December 2019. Collection method: clinical testing. Allele origin: germline.
Comment: This variant was observed in the ICSL laboratory as part of a predisposition screen in an ostensibly healthy population. It had not been previously curated by ICSL or reported in the Human Gene Mutation Database (HGMD: prior to June 1st, 2018), and was therefore a candidate for classification through an automated scoring system. Utilizing variant allele frequency, disease prevalence and penetrance estimates, and inheritance mode, an automated score was calculated to assess if this variant is too frequent to cause the disease. Based on the score and internal cut-off values, a variant classified as benign is not then subjected to further curation. The score for this variant resulted in a classification of benign for this disease.

Breakthrough Genomics
Classification: Benign. Review status: criteria provided, single submitter. Criteria: ACMG Guidelines, 2015. Collection method: not provided. Allele origin: germline. Inheritance: Autosomal recessive inheritance. Affected: yes.

Natera, Inc.
Classification: Benign for Ataxia with isolated vitamin E deficiency. Last evaluated: 2020-09-16. Review status: no assertion criteria provided. Collection method: clinical testing. Allele origin: germline. Not counted in ClinVar's aggregate classification.

Clinical Genetics DNA and cytogenetics Diagnostics Lab, Erasmus MC, Erasmus Medical Center
Classification: Likely benign. Review status: no assertion criteria provided. Collection method: clinical testing. Allele origin: germline. Affected: yes. Study: VKGL Data-share Consensus. Not counted in ClinVar's aggregate classification.

Clinical Genetics, Academic Medical Center
Classification: Likely benign. Review status: no assertion criteria provided. Collection method: clinical testing. Allele origin: germline. Affected: yes. Study: VKGL Data-share Consensus. Not counted in ClinVar's aggregate classification.

NM_000370.3(TTPA):c.664-4T>G

Gene: TTPA (alpha tocopherol transfer protein; minus strand). Cytogenetic location: 8q12.3.
Variant type: single nucleotide variant.
Coding change: c.664-4T>G on transcript NM_000370.3 (MANE Select); 4 bases into the intron before coding-DNA position 664, T replaced by G.
Molecular consequence: intron variant.
Genome position (GRCh38, 1-based): chr8:63,061,429, A>C on the plus strand (T>G on the coding strand, the complement: TTPA is on the minus strand). VCF-style: chr8-63061429-A-C. GRCh37 (hg19) VCF-style: chr8-63973988-A-C.
Other names: p.?.
Identifiers: ClinVar variation 363557 (VCV000363557.23), dbSNP rs2045224, ClinGen allele CA4763161.
Genomic context (GRCh38, chr8:63,061,429, plus strand): 5'-AATGTCTGGGAAATGCTGAAGCAAGCTTTGTTTGTAGTTGTTCCCATGCATGTGAATCTG[A>C]AATAGCCAAAACACTTTAGAAGGAAACCGCATTAGATGCATTTCCAGTGGAAAATCAACC-3'